The following is an entry in ClinVar:

ClinVar aggregate classification (germline): Uncertain significance. Review status: criteria provided, single submitter (1 of 4 stars). 2 submissions from 2 submitters: Uncertain significance (1). 1 of the submissions does not count toward it. Last evaluated 2025-08-01.

Conditions:
PIGF-related condition.

gnomAD v4.1: 276 of 1,406,506 alleles (0.02%); highest among the groups gnomAD compares: African/African-American, 0.32%; no homozygotes.

Submissions (2):

Ambry Genetics
Classification: Uncertain significance. Last evaluated: 2025-08-01. Review status: criteria provided, single submitter. Criteria: Ambry Variant Classification Scheme 2023. Collection method: clinical testing. Allele origin: germline.

PreventionGenetics, part of Exact Sciences
Classification: Likely benign for PIGF-related condition. Last evaluated: 2024-04-02. Review status: no assertion criteria provided. Collection method: clinical testing. Allele origin: germline. Not counted in ClinVar's aggregate classification.
Comment: This variant is classified as likely benign based on ACMG/AMP sequence variant interpretation guidelines (Richards et al. 2015 PMID: 25741868, with internal and published modifications).

NM_002643.4(PIGF):c.224A>G (p.His75Arg)

Gene: PIGF (phosphatidylinositol glycan anchor biosynthesis class F; minus strand). Cytogenetic location: 2p21.
Variant type: single nucleotide variant.
Coding change: c.224A>G on transcript NM_002643.4 (MANE Select); coding-DNA position 224, A replaced by G.
Protein change: p.His75Arg; replaces histidine 75 with arginine.
Molecular consequence: missense variant.
Genome position (GRCh38, 1-based): chr2:46,614,941, T>C on the plus strand (A>G on the coding strand, the complement: PIGF is on the minus strand). VCF-style: chr2-46614941-T-C. GRCh37 (hg19) VCF-style: chr2-46842080-T-C.
Other names: c.224A>G, p.His75Arg (NM_173074.3); short protein forms H75R.
Identifiers: ClinVar variation 3350303 (VCV003350303.2).